The following is an entry in ClinVar:

NM_002430.3(MN1):c.1415C>A (p.Ser472Ter)

Gene: MN1 (MN1 proto-oncogene, transcriptional regulator; minus strand). Cytogenetic location: 22q12.1.
Variant type: single nucleotide variant.
Coding change: c.1415C>A on transcript NM_002430.3 (MANE Select); coding-DNA position 1415, C replaced by A.
Protein change: p.Ser472Ter; replaces serine 472 with a stop codon.
Molecular consequence: nonsense.
Genome position (GRCh38, 1-based): chr22:27,799,129, G>T on the plus strand (C>A on the coding strand, the complement: MN1 is on the minus strand). VCF-style: chr22-27799129-G-T. GRCh37 (hg19) VCF-style: chr22-28195117-G-T.
Other names: short protein forms S472*.
Identifiers: ClinVar variation 978210 (VCV000978210.2), dbSNP rs1933378166, ClinGen allele CA411048373.

ClinVar aggregate classification (germline): Pathogenic. Review status: criteria provided, single submitter (1 of 4 stars). 2 submissions from 2 submitters: Pathogenic (1). 1 of the submissions does not count toward it. Last evaluated 2020-07-29.

Conditions:
CEBALID syndrome (CEBALID). Also called: MN1 C-TERMINAL TRUNCATION SYNDROME; CRANIOFACIAL DEFECTS, DYSMORPHIC EARS, STRUCTURAL BRAIN ABNORMALITIES, EXPRESSIVE LANGUAGE DELAY, AND IMPAIRED INTELLECTUAL DEVELOPMENT. Identifiers: Orphanet 693549, MedGen C5394044, MONDO:0032908, OMIM 618774.

Submissions (2):

SIB Swiss Institute of Bioinformatics
Classification: Pathogenic for CEBALID syndrome. Last evaluated: 2020-07-29. Review status: criteria provided, single submitter. Criteria: ACMG Guidelines, 2015. Collection method: curation. Allele origin: unknown.
Comment: This variant is interpreted as Pathogenic for CEBALID syndrome, autosomal dominant. The following ACMG Tag(s) were applied: Absent from controls (or at extremely low frequency if recessive) in Exome Sequencing Project, 1000 Genomes Project, or Exome Aggregation Consortium (PM2); De novo (paternity and maternity confirmed) (PS2); Predicted nullvariant in a gene where LOF is a known mechanism of disease (PVS1 downgraded to strong).

University of Washington Center for Mendelian Genomics, University of Washington
Classification: Likely pathogenic. Review status: no assertion criteria provided. Collection method: research. Allele origin: de novo. Affected: yes. Not counted in ClinVar's aggregate classification.
Comment: MN1 N-terminal truncating mutation/MN1 whole gene deletion

Literature cited by the submitters: PubMed 31834374 (cited by SIB Swiss Institute of Bioinformatics and University of Washington Center for Mendelian Genomics, University of Washington).